The following is an entry in ClinVar:

NM_000179.3(MSH6):c.3217C>T (p.Pro1073Ser)

Gene: MSH6 (mutS homolog 6; plus strand). Cytogenetic location: 2p16.3.
Variant type: single nucleotide variant.
Coding change: c.3217C>T on transcript NM_000179.3 (MANE Select); coding-DNA position 3217, C replaced by T.
Protein change: p.Pro1073Ser; replaces proline 1073 with serine.
Molecular consequence: missense variant.
Genome position (GRCh38, 1-based): chr2:47,803,464, C>T. VCF-style: chr2-47803464-C-T. GRCh37 (hg19) VCF-style: chr2-48030603-C-T.
Other names: p.P1073S:CCT>TCT; c.2827C>T, p.Pro943Ser (NM_001281492.2); c.2311C>T, p.Pro771Ser (NM_001281493.2, NM_001281494.2); short protein forms P1073S, P771S, P943S.
Identifiers: ClinVar variation 41593 (VCV000041593.96), dbSNP rs142254875, ClinGen allele CA011999.

ClinVar aggregate classification (germline): Likely benign. Review status: reviewed by expert panel (3 of 4 stars). 26 submissions from 26 submitters: Likely benign (1). 25 of the submissions do not count toward it. Last evaluated 2018-10-18.

Conditions:
Hereditary nonpolyposis colorectal neoplasms. Identifiers: MedGen C0009405, MeSH D003123.
Hereditary nonpolyposis colon cancer (HNPCC). Also called: Hereditary nonpolyposis colorectal cancer; Familial nonpolyposis colon cancer; Hereditary Nonpolyposis Colorectal Cancer Syndrome. Identifiers: Orphanet 443909, MedGen C1333990, MONDO:0018630. Disease mechanism: loss of function.
MSH6-related disorder. Also called: MSH6-Related disorders; MSH6-related condition.
Hereditary cancer-predisposing syndrome. Also called: Tumor predisposition; Neoplastic Syndromes, Hereditary; Hereditary Cancer Syndrome; Hereditary neoplastic syndrome. Identifiers: Orphanet 140162, MedGen C0027672, MeSH D009386, MONDO:0015356.
Breast and/or ovarian cancer. Identifiers: MedGen CN221562.
Mismatch repair cancer syndrome 1 (MMRCS1). Also called: CHILDHOOD CANCER SYNDROME; MISMATCH REPAIR DEFICIENCY; MMR DEFICIENCY; BRAIN TUMOR-POLYPOSIS SYNDROME 1; BTP1 SYNDROME. Identifiers: Orphanet 252202, MedGen C5399763, MONDO:0010159, OMIM 276300. Disease mechanism: loss of function.
Endometrial carcinoma. Also called: Endometrial carcinoma, somatic. Identifiers: MedGen C0476089, MONDO:0002447, OMIM 608089, HP:0012114.
Lynch syndrome 5 (LYNCH5). Also called: Colorectal cancer, hereditary nonpolyposis, type 5; Hereditary non-polyposis colorectal cancer, type 5. Identifiers: Orphanet 144, MedGen C1833477, MONDO:0013710, OMIM 614350. Disease mechanism: loss of function.
Lynch syndrome. Identifiers: Orphanet 144, MedGen C4552100, MONDO:0005835. Disease mechanism: loss of function.
Carcinoma of colon (CRC). Also called: Colonic carcinoma; Colon carcinoma. Identifiers: MedGen C0699790, MONDO:0002032.

Allele frequency attached by ClinVar (database versions not stated): gnomAD 0.00027 and 0.00028; TOPMed 0.00033; ESP Exome Variant Server 0.00062.
gnomAD v4.1: 644 of 1,614,106 alleles (0.04%); highest among the groups gnomAD compares: Non-Finnish European, 0.034%; 2 homozygotes.

Submissions 1 to 15 of 26:

International Society for Gastrointestinal Hereditary Tumours (InSiGHT)
Classification: Likely benign for Lynch syndrome. Last evaluated: 2018-10-18. Review status: reviewed by expert panel. Criteria: Guidelines v2.4. Collection method: curation. Allele origin: germline. Affected: yes.
Comment: Multifactorial likelihood analysis posterior probability 0.001-0.049 (0.02)

CeGaT Center for Human Genetics Tuebingen
Classification: Likely benign. Last evaluated: 2026-06-01. Review status: criteria provided, single submitter. Criteria: CeGaT Center For Human Genetics Tuebingen Variant Classification Criteria Version 2. Collection method: clinical testing. Allele origin: germline. Affected: yes. Observed: 10 variant alleles. Not counted in ClinVar's aggregate classification.
Comment: MSH6: BP1, BS1:Supporting

Labcorp Genetics (formerly Invitae), Labcorp
Classification: Benign for Hereditary nonpolyposis colorectal neoplasms. Last evaluated: 2026-01-28. Review status: criteria provided, single submitter. Criteria: Invitae Variant Classification Sherloc (09022015). Collection method: clinical testing. Allele origin: germline. Not counted in ClinVar's aggregate classification.

Center for Genomic Medicine, Rigshospitalet, Copenhagen University Hospital
Classification: Likely benign. Last evaluated: 2025-03-04. Review status: criteria provided, single submitter. Criteria: ACMG Guidelines, 2015. Collection method: clinical testing. Allele origin: germline. Not counted in ClinVar's aggregate classification.

Myriad Genetics, Inc.
Classification: Benign for Lynch syndrome 5. Last evaluated: 2025-01-03. Review status: criteria provided, single submitter. Criteria: Myriad Autosomal Dominant, Autosomal Recessive and X-Linked Classification Criteria (2023). Collection method: clinical testing. Allele origin: unknown. Not counted in ClinVar's aggregate classification.
Comment: This variant is considered benign. This variant has been observed in trans with a known pathogenic variant in one or more individuals lacking clinical features consistent with gene-specific recessive disease. This variant is strongly associated with less severe personal and family histories of cancer, typical for individuals without pathogenic variants in this gene [PMID: 27363726].

Institute for Biomarker Research, Medical Diagnostic Laboratories, L.L.C.
Classification: Likely benign for Hereditary cancer-predisposing syndrome. Last evaluated: 2024-11-05. Review status: criteria provided, single submitter. Criteria: ACMG Guidelines, 2015. Collection method: clinical testing. Allele origin: germline. Not counted in ClinVar's aggregate classification.
Comment: The missense variant NM_000179.3(MSH6):c.3217C>T (p.Pro1073Ser) has been reported to ClinVar as Likely benign with a status of (3 stars) reviewed by expert panel (Variation ID 41593 as of 2024-10-03). The p.Pro1073Ser variant is observed in 78/10,078 (0.774%) alleles from individuals of gnomAD Ashkenazi Jewish background in gnomAD, which is greater than expected for the disorder. There is a moderate physicochemical difference between proline and serine. For these reasons, this variant has been classified as Likely Benign.

Blueprint Genetics
Classification: Likely benign. Last evaluated: 2024-10-17. Review status: criteria provided, single submitter. Criteria: ACMG Guidelines, 2015. Collection method: clinical testing. Allele origin: germline. Not counted in ClinVar's aggregate classification.

Color Diagnostics, LLC DBA Color Health
Classification: Benign for Hereditary cancer-predisposing syndrome. Last evaluated: 2024-10-02. Review status: criteria provided, single submitter. Criteria: ACMG Guidelines, 2015. Collection method: clinical testing. Allele origin: germline. Not counted in ClinVar's aggregate classification.

Mendelics
Classification: Benign for Hereditary nonpolyposis colon cancer. Last evaluated: 2023-08-22. Review status: criteria provided, single submitter. Criteria: Mendelics Assertion Criteria 2019. Collection method: clinical testing. Allele origin: germline. Not counted in ClinVar's aggregate classification.

CHEO Genetics Diagnostic Laboratory, Children's Hospital of Eastern Ontario
Classification: Likely benign for Breast and/or ovarian cancer. Last evaluated: 2023-05-17. Review status: criteria provided, single submitter. Criteria: ACMG Guidelines, 2015. Collection method: clinical testing. Allele origin: germline. Not counted in ClinVar's aggregate classification.

Quest Diagnostics Nichols Institute San Juan Capistrano
Classification: Benign. Last evaluated: 2022-08-02. Review status: criteria provided, single submitter. Criteria: Quest Diagnostics criteria. Collection method: clinical testing. Allele origin: unknown. Not counted in ClinVar's aggregate classification.

Institute for Clinical Genetics, University Hospital TU Dresden, University Hospital TU Dresden
Classification: Uncertain significance. Last evaluated: 2021-11-03. Review status: criteria provided, single submitter. Criteria: ACMG Guidelines, 2015. Collection method: clinical testing. Allele origin: germline. Not counted in ClinVar's aggregate classification.

Genetic Services Laboratory, University of Chicago
Classification: Likely benign. Last evaluated: 2021-04-24. Review status: criteria provided, single submitter. Criteria: ACMG Guidelines, 2015. Collection method: clinical testing. Allele origin: germline. Affected: no. Not counted in ClinVar's aggregate classification.

Women's Health and Genetics/Laboratory Corporation of America, LabCorp
Classification: Benign. Last evaluated: 2021-01-30. Review status: criteria provided, single submitter. Criteria: LabCorp Variant Classification Summary - May 2015. Collection method: clinical testing. Allele origin: germline. Not counted in ClinVar's aggregate classification.
Comment: Variant summary: MSH6 c.3217C>T (p.Pro1073Ser) results in a non-conservative amino acid change located in the DNA mismatch repair protein MutS, core domain (IPR007696) of the encoded protein sequence. Three of five in-silico tools predict a benign effect of the variant on protein function. The variant allele was found at a frequency of 0.00045 in 251352 control chromosomes, predominantly at a frequency of 0.00023 within the Non-Finnish European subpopulation in the gnomAD database. The observed variant frequency within Non-Finnish European control individuals in the gnomAD database is approximately 1.6 fold of the estimated maximal expected allele frequency for a pathogenic variant in MSH6 causing Hereditary Nonpolyposis Colorectal Cancer phenotype (0.00014). Furthermore, the observed variant frequency within Ashkenazi Jewish control individuals in the gnomAD database is approximately 54 fold of the estimated maximal expected allele frequency for a pathogenic variant in MSH6 causing Lynch Syndrome phenotype (0.00014). These observations strongly suggest that the variant is benign. c.3217C>T has been reported in the literature in individuals affected with features of HNPCC/Colorectal Cancer (example, Devlin_2008, Okkels_2012, Haraldsdottir_2017). These report(s) do not provide unequivocal conclusions about association of the variant with Hereditary Nonpolyposis Colorectal Cancer (Lynch syndrome). The UMD database reports its presence in individuals with microsatellite stable, IHC positive, sporadic colorectal cancer. A recent study reporting tumor characteristic likelihood ratio (TCLR) in combination with in silico predictors and a multifactorial variant prediction model that included allele frequency, co-occurrence, co-segregation, clinical and family history information, classified this variant as unequivocally benign (Li_2020). To our knowledge, no experimental evidence demonstrating an impact on protein function has been reported. Twelve clinical diagnostic laboratories have submitted clinical-significance assessments for this variant to ClinVar after 2014 without evidence for independent evaluation. Multiple laboratories reported the variant with conflicting assessments (likely benign/benign, n=5; VUS, n=7). Based on the evidence outlined above, the variant was classified as benign.

Sema4
Classification: Benign for Hereditary cancer-predisposing syndrome. Last evaluated: 2020-09-21. Review status: criteria provided, single submitter. Criteria: Sema4 Curation Guidelines. Collection method: curation. Allele origin: germline. Not counted in ClinVar's aggregate classification.